The following is an entry in ClinVar:

NM_031935.3(HMCN1):c.4520G>C (p.Gly1507Ala)

Gene: HMCN1 (hemicentin 1; plus strand). Cytogenetic location: 1q31.1.
Variant type: single nucleotide variant.
Coding change: c.4520G>C on transcript NM_031935.3 (MANE Select); coding-DNA position 4520, G replaced by C.
Protein change: p.Gly1507Ala; replaces glycine 1507 with alanine.
Molecular consequence: missense variant.
Genome position (GRCh38, 1-based): chr1:186,007,172, G>C. VCF-style: chr1-186007172-G-C. GRCh37 (hg19) VCF-style: chr1-185976304-G-C.
Other names: c.4520G>C (NM_031935.2); short protein forms G1507A.
Identifiers: ClinVar variation 1940842 (VCV001940842.6), dbSNP rs766449783, ClinGen allele CA1292042.

ClinVar aggregate classification (germline): Uncertain significance. Review status: criteria provided, multiple submitters, no conflicts (2 of 4 stars). 2 submissions from 2 submitters: Uncertain significance (2). Last evaluated 2024-12-02.

Allele frequency attached by ClinVar (database versions not stated): gnomAD 0.00001; ExAC 0.00002.
gnomAD v4.1: 41 of 1,613,036 alleles (0.0025%); highest among the groups gnomAD compares: Non-Finnish European, 0.0034%; no homozygotes.

Submissions (2):

Labcorp Genetics (formerly Invitae), Labcorp
Classification: Uncertain significance. Last evaluated: 2024-12-02. Review status: criteria provided, single submitter. Criteria: Invitae Variant Classification Sherloc (09022015). Collection method: clinical testing. Allele origin: germline.
Comment: This sequence change replaces glycine, which is neutral and non-polar, with alanine, which is neutral and non-polar, at codon 1507 of the HMCN1 protein (p.Gly1507Ala). This variant is present in population databases (rs766449783, gnomAD 0.004%). This variant has not been reported in the literature in individuals affected with HMCN1-related conditions. ClinVar contains an entry for this variant (Variation ID: 1940842). An algorithm developed to predict the effect of missense changes on protein structure and function (PolyPhen-2) suggests that this variant is likely to be disruptive. In summary, the available evidence is currently insufficient to determine the role of this variant in disease. Therefore, it has been classified as a Variant of Uncertain Significance.

Ambry Genetics
Classification: Uncertain significance. Last evaluated: 2024-02-28. Review status: criteria provided, single submitter. Criteria: Ambry Variant Classification Scheme 2023. Collection method: clinical testing. Allele origin: germline.